The following is an entry in ClinVar:

ClinVar aggregate classification (germline): Benign (1 of 4 stars; one submission).

Allele frequency attached by ClinVar (database versions not stated): 1000 Genomes Project 30x 0.56761; 1000 Genomes Project 0.57029; TOPMed 0.59326; gnomAD 0.60549 and 0.60919.
gnomAD v4.1: 92,081 of 152,032 alleles (61%); highest among the groups gnomAD compares: Non-Finnish European, 63%; 28,082 homozygotes.

Submission:

GeneDx
Classification: Benign. Last evaluated: 2018-06-14. Review status: criteria provided, single submitter. Criteria: GeneDx Variant Classification (06012015). Collection method: clinical testing. Allele origin: germline. Affected: yes.
Comment: This variant is considered likely benign or benign based on one or more of the following criteria: it is a conservative change, it occurs at a poorly conserved position in the protein, it is predicted to be benign by multiple in silico algorithms, and/or has population frequency not consistent with disease.

NM_007347.5(AP4E1):c.1966+301T>A

Gene: AP4E1 (adaptor related protein complex 4 subunit epsilon 1; plus strand). Cytogenetic location: 15q21.2.
Variant type: single nucleotide variant.
Coding change: c.1966+301T>A on transcript NM_007347.5 (MANE Select); 301 bases into the intron after coding-DNA position 1966, T replaced by A.
Molecular consequence: intron variant.
Genome position (GRCh38, 1-based): chr15:50,968,678, T>A. VCF-style: chr15-50968678-T-A. GRCh37 (hg19) VCF-style: chr15-51260875-T-A.
Other names: c.1741+301T>A (NM_001252127.2).
Identifiers: ClinVar variation 667968 (VCV000667968.1), dbSNP rs11635102, ClinGen allele CA14131870.
Genomic context (GRCh38, chr15:50,968,678, plus strand): 5'-TGGAATTTATTTATTTATTTATTTTTTGAGACAAGAGTCTTGCTCTGTCACCCAGGCTGC[T>A]GTGCAGTGGCACGATCTGGGCTTACTGCAACCTCTGCCTCCCAGGCTCAAGTGGTTCTTG-3'